The following is an entry in ClinVar:

ClinVar aggregate classification (germline): Uncertain significance (1 of 4 stars; one submission).

Allele frequency attached by ClinVar (database versions not stated): gnomAD exomes below 0.00001.
gnomAD v4.1: 1 of 1,613,910 alleles (0.000062%); highest among the groups gnomAD compares: Non-Finnish European, 0.000085%; no homozygotes.

Submission:

Ambry Genetics
Classification: Uncertain significance. Last evaluated: 2021-01-22. Review status: criteria provided, single submitter. Criteria: Ambry Variant Classification Scheme 2023. Collection method: clinical testing. Allele origin: germline.
Comment: The p.D1420N variant (also known as c.4258G>A), located in coding exon 39 of the KIF1B gene, results from a G to A substitution at nucleotide position 4258. The aspartic acid at codon 1420 is replaced by asparagine, an amino acid with highly similar properties. This amino acid position is highly conserved in available vertebrate species. In addition, the in silico prediction for this alteration is inconclusive. Since supporting evidence is limited at this time, the clinical significance of this alteration remains unclear.

NM_001365951.3(KIF1B):c.4396G>A (p.Asp1466Asn)

Gene: KIF1B (kinesin family member 1B; plus strand). Cytogenetic location: 1p36.22.
Variant type: single nucleotide variant.
Coding change: c.4396G>A on transcript NM_001365951.3 (MANE Select); coding-DNA position 4396, G replaced by A.
Protein change: p.Asp1466Asn; replaces aspartic acid 1466 with asparagine.
Molecular consequence: missense variant.
Genome position (GRCh38, 1-based): chr1:10,365,129, G>A. VCF-style: chr1-10365129-G-A. GRCh37 (hg19) VCF-style: chr1-10425187-G-A.
Other names: c.4396G>A, p.Asp1466Asn (NM_001365952.1); c.4258G>A, p.Asp1420Asn (NM_015074.3); short protein forms D1466N, D1420N.
Identifiers: ClinVar variation 1739136 (VCV001739136.2), dbSNP rs2521911072, ClinGen allele CA338320189.